The following is an entry in ClinVar:

NM_014384.3(ACAD8):c.326T>C (p.Phe109Ser)

Gene: ACAD8 (acyl-CoA dehydrogenase family member 8; plus strand). Cytogenetic location: 11q25.
Variant type: single nucleotide variant.
Coding change: c.326T>C on transcript NM_014384.3 (MANE Select); coding-DNA position 326, T replaced by C.
Protein change: p.Phe109Ser; replaces phenylalanine 109 with serine.
Molecular consequence: missense variant.
Genome position (GRCh38, 1-based): chr11:134,257,203, T>C. VCF-style: chr11-134257203-T-C. GRCh37 (hg19) VCF-style: chr11-134127097-T-C.
Other names: short protein forms F109S.
Identifiers: ClinVar variation 1464222 (VCV001464222.8), dbSNP rs1939586683, ClinGen allele CA383513411.
Genomic context (GRCh38, chr11:134,257,203, plus strand): 5'-TCTACATACAAACAGATGTGGGCGGGTCTGGGCTGTCACGTCTTGATACCTCTGTCATTT[T>C]TGAAGCCTTGGCTACAGGCTGCACCAGCACCACAGCCTATATAAGCATCCACAAGTGAGT-3'
Protein context (NP_055199.1, residues 99-119): GLSRLDTSVI[Phe109Ser]EALATGCTST

ClinVar aggregate classification (germline): Uncertain significance (1 of 4 stars; one submission).

Conditions:
Deficiency of isobutyryl-CoA dehydrogenase. Also called: ACAD8 DEFICIENCY; ACYL-CoA DEHYDROGENASE FAMILY, MEMBER 8, DEFICIENCY OF; IBD DEFICIENCY. Identifiers: Orphanet 79159, MedGen C1969809, MONDO:0012648, OMIM 611283.

Allele frequency attached by ClinVar (database versions not stated): gnomAD 0.00001.
gnomAD v4.1: 1 of 1,614,102 alleles (0.000062%); highest among the groups gnomAD compares: Admixed American, 0.0017%; no homozygotes.

Submission:

Labcorp Genetics (formerly Invitae), Labcorp
Classification: Uncertain significance for Deficiency of isobutyryl-CoA dehydrogenase. Last evaluated: 2022-06-20. Review status: criteria provided, single submitter. Criteria: Invitae Variant Classification Sherloc (09022015). Collection method: clinical testing. Allele origin: germline.
Comment: This sequence change replaces phenylalanine, which is neutral and non-polar, with serine, which is neutral and polar, at codon 109 of the ACAD8 protein (p.Phe109Ser). In summary, the available evidence is currently insufficient to determine the role of this variant in disease. Therefore, it has been classified as a Variant of Uncertain Significance. Advanced modeling of protein sequence and biophysical properties (such as structural, functional, and spatial information, amino acid conservation, physicochemical variation, residue mobility, and thermodynamic stability) performed at Invitae indicates that this missense variant is expected to disrupt ACAD8 protein function. This variant has not been reported in the literature in individuals affected with ACAD8-related conditions. This variant is not present in population databases (gnomAD no frequency).